The following is an entry in ClinVar:

ClinVar aggregate classification (germline): Pathogenic/Likely pathogenic. Review status: criteria provided, multiple submitters, no conflicts (2 of 4 stars). 3 submissions from 3 submitters: Pathogenic (2); Likely pathogenic (1). Last evaluated 2024-03-12.

Conditions:
Xanthinuria type II. Also called: Xanthine dehydrogenase and aldehyde oxidase combined deficiency of; XDH and AOX dual deficiency. Identifiers: Orphanet 3467, Orphanet 93602, MedGen C1863688, MONDO:0011346, OMIM 603592.
Hereditary xanthinuria type 1 (XAN1). Identifiers: Orphanet 3467, Orphanet 93601, MedGen C0268118, MONDO:0010209, OMIM 278300.
XDH-related disorder. Also called: XDH-related condition.

Allele frequency attached by ClinVar (database versions not stated): ExAC 0.00001; TOPMed 0.00003.
gnomAD v4.1: 52 of 1,614,022 alleles (0.0032%); highest among the groups gnomAD compares: Middle Eastern, 0.033%; no homozygotes.

Submissions (3):

Fulgent Genetics
Classification: Pathogenic for Hereditary xanthinuria type 1. Last evaluated: 2024-03-12. Review status: criteria provided, single submitter. Criteria: ACMG Guidelines, 2015. Collection method: clinical testing. Allele origin: germline.

Labcorp Genetics (formerly Invitae), Labcorp
Classification: Pathogenic for Xanthinuria type II. Last evaluated: 2023-07-12. Review status: criteria provided, single submitter. Criteria: Invitae Variant Classification Sherloc (09022015). Collection method: clinical testing. Allele origin: germline.
Comment: This sequence change creates a premature translational stop signal (p.Arg825*) in the XDH gene. It is expected to result in an absent or disrupted protein product. Loss-of-function variants in XDH are known to be pathogenic (PMID: 9153281). This variant is present in population databases (rs748879270, gnomAD 0.007%). This premature translational stop signal has been observed in individual(s) with xanthinuria (PMID: 21963464, 34356852). Algorithms developed to predict the effect of sequence changes on RNA splicing suggest that this variant may disrupt the consensus splice site. For these reasons, this variant has been classified as Pathogenic.

Blueprint Genetics
Classification: Likely pathogenic for XDH-related disorders. Last evaluated: 2021-11-03. Review status: criteria provided, single submitter. Criteria: ACMG Guidelines, 2015. Collection method: clinical testing. Allele origin: germline. Affected: yes. Observed: 4 variant alleles.

Literature cited by the submitters: PubMed 9153281 (cited by Labcorp Genetics (formerly Invitae), Labcorp); PubMed 21963464 (cited by Labcorp Genetics (formerly Invitae), Labcorp); PubMed 34356852 (cited by Labcorp Genetics (formerly Invitae), Labcorp).

NM_000379.4(XDH):c.2473C>T (p.Arg825Ter)

Gene: XDH (xanthine dehydrogenase; minus strand). Cytogenetic location: 2p23.1.
Variant type: single nucleotide variant.
Coding change: c.2473C>T on transcript NM_000379.4 (MANE Select); coding-DNA position 2473, C replaced by T.
Protein change: p.Arg825Ter; replaces arginine 825 with a stop codon.
Molecular consequence: nonsense.
Genome position (GRCh38, 1-based): chr2:31,365,528, G>A on the plus strand (C>T on the coding strand, the complement: XDH is on the minus strand). VCF-style: chr2-31365528-G-A. GRCh37 (hg19) VCF-style: chr2-31588394-G-A.
Other names: short protein forms R825*.
Identifiers: ClinVar variation 2731116 (VCV002731116.5), dbSNP rs748879270, ClinGen allele CA1598796.